The following is an entry in ClinVar:

NM_020975.6(RET):c.1577T>C (p.Leu526Pro)

Gene: RET (ret proto-oncogene; plus strand). Cytogenetic location: 10q11.21.
Variant type: single nucleotide variant.
Coding change: c.1577T>C on transcript NM_020975.6 (MANE Select); coding-DNA position 1577, T replaced by C.
Protein change: p.Leu526Pro; replaces leucine 526 with proline.
Molecular consequence: missense variant.
Genome position (GRCh38, 1-based): chr10:43,112,153, T>C. VCF-style: chr10-43112153-T-C. GRCh37 (hg19) VCF-style: chr10-43607601-T-C.
Other names: c.851T>C, p.Leu284Pro (NM_001406777.1, NM_001406778.1, NM_001406775.1 and 1 more transcripts); c.680T>C, p.Leu227Pro (NM_001406779.1, NM_001406780.1, NM_001406781.1 and 3 more transcripts); c.551T>C, p.Leu184Pro (NM_001406783.1, NM_001406786.1); c.587T>C, p.Leu196Pro (NM_001406784.1); c.1577T>C, p.Leu526Pro (NM_000323.2, NM_001406743.1, NM_001406744.1 and 6 more transcripts); c.815T>C, p.Leu272Pro (NM_001355216.2); c.1448T>C, p.Leu483Pro (NM_001406761.1, NM_001406762.1, NM_001406764.1 and 1 more transcripts); c.1289T>C, p.Leu430Pro (NM_001406766.1, NM_001406767.1, NM_001406770.1); and 5 more; short protein forms L272P, L526P, L131P, L394P, L483P, L184P, L227P, L430P.
Identifiers: ClinVar variation 1372193 (VCV001372193.9), dbSNP rs756248937, ClinGen allele CA034507.

ClinVar aggregate classification (germline): Uncertain significance. Review status: criteria provided, multiple submitters, no conflicts (2 of 4 stars). 2 submissions from 2 submitters: Uncertain significance (2). Last evaluated 2025-07-16.

Conditions:
Multiple endocrine neoplasia, type 2 (MEN2). Identifiers: Orphanet 653, MedGen C4048306, MONDO:0019003. Disease mechanism: gain of function.

Allele frequency attached by ClinVar (database versions not stated): ExAC 0.00002; gnomAD exomes below 0.00001.
gnomAD v4.1: 2 of 1,594,040 alleles (0.00013%); highest among the groups gnomAD compares: South Asian, 0.0011%; no homozygotes.

Submissions (2):

Labcorp Genetics (formerly Invitae), Labcorp
Classification: Uncertain significance for Multiple endocrine neoplasia, type 2. Last evaluated: 2025-07-16. Review status: criteria provided, single submitter. Criteria: Invitae Variant Classification Sherloc (09022015). Collection method: clinical testing. Allele origin: germline.
Comment: This sequence change replaces leucine, which is neutral and non-polar, with proline, which is neutral and non-polar, at codon 526 of the RET protein (p.Leu526Pro). The frequency data for this variant in the population databases is considered unreliable, as metrics indicate poor data quality at this position in the gnomAD database. This variant has not been reported in the literature in individuals affected with RET-related conditions. ClinVar contains an entry for this variant (Variation ID: 1372193). An algorithm developed to predict the effect of missense changes on protein structure and function outputs the following: PolyPhen-2: "Benign". The proline amino acid residue is found in multiple mammalian species, which suggests that this missense change does not adversely affect protein function. In summary, the available evidence is currently insufficient to determine the role of this variant in disease. Therefore, it has been classified as a Variant of Uncertain Significance.

Color Diagnostics, LLC DBA Color Health
Classification: Uncertain significance for Multiple endocrine neoplasia, type 2. Last evaluated: 2025-07-08. Review status: criteria provided, single submitter. Criteria: ACMG Guidelines, 2015. Collection method: clinical testing. Allele origin: germline.
Comment: This missense variant replaces leucine with proline at codon 526 of the RET protein. Computational prediction suggests that this variant may not impact protein structure and function. To our knowledge, functional studies have not been reported for this variant. This variant has not been reported in individuals affected with RET-related disorders in the literature. This variant has been identified in 1/212320 chromosomes in the general population by the Genome Aggregation Database (gnomAD). The available evidence is insufficient to determine the role of this variant in disease conclusively. Therefore, this variant is classified as a Variant of Uncertain Significance.